The following is an entry in ClinVar:

NM_017436.7(A4GALT):c.54G>A (p.Gln18=)

Gene: A4GALT (alpha 1,4-galactosyltransferase (P1PK blood group); minus strand). Cytogenetic location: 22q13.2.
Variant type: single nucleotide variant.
Coding change: c.54G>A on transcript NM_017436.7 (MANE Select); coding-DNA position 54, G replaced by A.
Protein change: p.Gln18=; no amino-acid change (glutamine 18 retained).
Molecular consequence: synonymous variant.
Genome position (GRCh38, 1-based): chr22:42,693,898, C>T on the plus strand (G>A on the coding strand, the complement: A4GALT is on the minus strand). VCF-style: chr22-42693898-C-T. GRCh37 (hg19) VCF-style: chr22-43089904-C-T.
Other names: c.54G>A, p.Gln18= (NM_001318038.3).
Identifiers: ClinVar variation 3046625 (VCV003046625.4), dbSNP rs374847765, ClinGen allele CA10270397.
Genomic context (GRCh38, chr22:42,693,898, plus strand): 5'-GATCATGATGGAGACGAAAAACGTGAACTTGAAGCCGATGATGAACAGGGTGCAGACCCG[C>T]TGCCTTGGGGCGCCCCGGAGCAGCCGCAGCAGGAGGTCGGGGGGCTTGGACATGGTATCC-3'
Protein context (NP_059132.1, residues 8-28): LLRLLRGAPR[Gln18=]RVCTLFIIGF

ClinVar aggregate classification (germline): Likely benign. Review status: criteria provided, single submitter (1 of 4 stars). 2 submissions from 2 submitters: Likely benign (1). 1 of the submissions does not count toward it. Last evaluated 2025-12-19.

Conditions:
A4GALT-related disorder. Also called: A4GALT-related condition.

Allele frequency attached by ClinVar (database versions not stated): ESP Exome Variant Server 0.00008; 1000 Genomes Project 30x 0.00016; gnomAD exomes 0.00017; gnomAD 0.00008; 1000 Genomes Project 0.00020; ExAC 0.00017; TOPMed 0.00010.

Submissions (2):

Labcorp Genetics (formerly Invitae), Labcorp
Classification: Likely benign. Last evaluated: 2025-12-19. Review status: criteria provided, single submitter. Criteria: Invitae Variant Classification Sherloc (09022015). Collection method: clinical testing. Allele origin: germline.

PreventionGenetics, part of Exact Sciences
Classification: Likely benign for A4GALT-related condition. Last evaluated: 2019-04-26. Review status: no assertion criteria provided. Collection method: clinical testing. Allele origin: germline. Not counted in ClinVar's aggregate classification.
Comment: This variant is classified as likely benign based on ACMG/AMP sequence variant interpretation guidelines (Richards et al. 2015 PMID: 25741868, with internal and published modifications).